The following is an entry in ClinVar:

NM_004370.6(COL12A1):c.2679C>T (p.Asp893=)

Gene: COL12A1 (collagen type XII alpha 1 chain; minus strand). Cytogenetic location: 6q13.
Variant type: single nucleotide variant.
Coding change: c.2679C>T on transcript NM_004370.6 (MANE Select); coding-DNA position 2679, C replaced by T.
Protein change: p.Asp893=; no amino-acid change (aspartic acid 893 retained).
Molecular consequence: synonymous variant. On other transcripts: intron variant (1).
Genome position (GRCh38, 1-based): chr6:75,175,069, G>A on the plus strand (C>T on the coding strand, the complement: COL12A1 is on the minus strand). VCF-style: chr6-75175069-G-A. GRCh37 (hg19) VCF-style: chr6-75884785-G-A.
Other names: p.Asp893=; c.74-22587C>T (NM_080645.3); c.2679C>T (NM_004370.5).
Identifiers: ClinVar variation 1150378 (VCV001150378.36), dbSNP rs747852589, ClinGen allele CA3893914.

ClinVar aggregate classification (germline): Likely benign. Review status: criteria provided, multiple submitters, no conflicts (2 of 4 stars). 5 submissions from 5 submitters: Likely benign (4). 1 of the submissions does not count toward it. Last evaluated 2026-07-01.

Conditions:
COL12A1-related disorder. Also called: COL12A1-related condition.
Ullrich congenital muscular dystrophy 2 (UCMD2). Identifiers: Orphanet 75840, MedGen C4225314, MONDO:0014654, OMIM 616470.
Bethlem myopathy 2 (BTHLM2). Identifiers: Orphanet 536516, Orphanet 610, MedGen C4225313, MONDO:0034022, OMIM 616471.

Allele frequency attached by ClinVar (database versions not stated): ExAC 0.00001; gnomAD 0.00002 and 0.00003; TOPMed 0.00003; gnomAD exomes 0.00004.
gnomAD v4.1: 59 of 1,613,952 alleles (0.0037%); highest among the groups gnomAD compares: Middle Eastern, 0.016%; no homozygotes.

Submissions (5):

CeGaT Center for Human Genetics Tuebingen
Classification: Likely benign. Last evaluated: 2026-07-01. Review status: criteria provided, single submitter. Criteria: CeGaT Center For Human Genetics Tuebingen Variant Classification Criteria Version 2. Collection method: clinical testing. Allele origin: germline. Affected: yes. Observed: 3 variant alleles.
Comment: COL12A1: BP4, BP7

Women's Health and Genetics/Laboratory Corporation of America, LabCorp
Classification: Likely benign. Last evaluated: 2026-05-12. Review status: criteria provided, single submitter. Criteria: LabCorp Variant Classification Summary - May 2015. Collection method: clinical testing. Allele origin: germline.

Labcorp Genetics (formerly Invitae), Labcorp
Classification: Likely benign for Bethlem myopathy 2; Ullrich congenital muscular dystrophy 2. Last evaluated: 2025-11-18. Review status: criteria provided, single submitter. Criteria: Invitae Variant Classification Sherloc (09022015). Collection method: clinical testing. Allele origin: germline.

Mayo Clinic Laboratories, Mayo Clinic
Classification: Likely benign. Last evaluated: 2025-05-27. Review status: criteria provided, single submitter. Criteria: ACMG Guidelines, 2015. Collection method: clinical testing. Allele origin: germline. Observed: 1 variant allele.
Comment: BS1, BP4, BP7

PreventionGenetics, part of Exact Sciences
Classification: Likely benign for COL12A1-related condition. Last evaluated: 2019-05-22. Review status: no assertion criteria provided. Collection method: clinical testing. Allele origin: germline. Not counted in ClinVar's aggregate classification.
Comment: This variant is classified as likely benign based on ACMG/AMP sequence variant interpretation guidelines (Richards et al. 2015 PMID: 25741868, with internal and published modifications).